The following is an entry in ClinVar:

ClinVar aggregate classification (germline): Uncertain significance. Review status: criteria provided, single submitter (1 of 4 stars). 2 submissions from 2 submitters: Uncertain significance (1). 1 of the submissions does not count toward it. Last evaluated 2025-12-15.

Conditions:
POLE2-related disorder. Also called: POLE2-related condition.

Allele frequency attached by ClinVar (database versions not stated): gnomAD exomes 0.00002 and 0.00007; ExAC 0.00011; gnomAD 0.00020 and 0.00022; TOPMed 0.00030; ESP Exome Variant Server 0.00046.
gnomAD v4.1: 59 of 1,465,870 alleles (0.004%); highest among the groups gnomAD compares: African/African-American, 0.079%; no homozygotes.

Submissions (2):

Labcorp Genetics (formerly Invitae), Labcorp
Classification: Uncertain significance. Last evaluated: 2025-12-15. Review status: criteria provided, single submitter. Criteria: Invitae Variant Classification Sherloc (09022015). Collection method: clinical testing. Allele origin: germline.
Comment: This sequence change falls in intron 11 of the POLE2 gene. It does not directly change the encoded amino acid sequence of the POLE2 protein. It affects a nucleotide within the consensus splice site. This variant is present in population databases (rs372605618, gnomAD 0.1%), and has an allele count higher than expected for a pathogenic variant. This variant has not been reported in the literature in individuals affected with POLE2-related conditions. ClinVar contains an entry for this variant (Variation ID: 1411360). Variants that disrupt the consensus splice site are a relatively common cause of aberrant splicing (PMID: 17576681, 9536098). Algorithms developed to predict the effect of sequence changes on RNA splicing suggest that this variant is not likely to affect RNA splicing. In summary, the available evidence is currently insufficient to determine the role of this variant in disease. Therefore, it has been classified as a Variant of Uncertain Significance.

PreventionGenetics, part of Exact Sciences
Classification: Likely benign for POLE2-related condition. Last evaluated: 2019-04-04. Review status: no assertion criteria provided. Collection method: clinical testing. Allele origin: germline. Not counted in ClinVar's aggregate classification.
Comment: This variant is classified as likely benign based on ACMG/AMP sequence variant interpretation guidelines (Richards et al. 2015 PMID: 25741868, with internal and published modifications).

Literature cited by the submitters: PubMed 17576681 (cited by Labcorp Genetics (formerly Invitae), Labcorp); PubMed 9536098 (cited by Labcorp Genetics (formerly Invitae), Labcorp).

NM_002692.4(POLE2):c.929-3T>C

Gene: POLE2 (DNA polymerase epsilon 2, accessory subunit; minus strand). Cytogenetic location: 14q21.3.
Variant type: single nucleotide variant.
Coding change: c.929-3T>C on transcript NM_002692.4 (MANE Select); 3 bases into the intron before coding-DNA position 929, T replaced by C.
Molecular consequence: intron variant.
Genome position (GRCh38, 1-based): chr14:49,655,097, A>G on the plus strand (T>C on the coding strand, the complement: POLE2 is on the minus strand). VCF-style: chr14-49655097-A-G. GRCh37 (hg19) VCF-style: chr14-50121815-A-G.
Other names: c.851-3T>C (NM_001197330.2); c.929-3T>C (NM_001348384.2, NM_001197331.3, NM_002692.3); c.698-3T>C (NM_001348385.2).
Identifiers: ClinVar variation 1411360 (VCV001411360.8), dbSNP rs372605618, ClinGen allele CA7173436.